The following is an entry in ClinVar:

NM_138615.3(DHX30):c.1918C>T (p.Arg640Trp)

Gene: DHX30 (DExH-box helicase 30; plus strand). Cytogenetic location: 3p21.31.
Variant type: single nucleotide variant.
Coding change: c.1918C>T on transcript NM_138615.3 (MANE Select); coding-DNA position 1918, C replaced by T.
Protein change: p.Arg640Trp; replaces arginine 640 with tryptophan.
Molecular consequence: missense variant.
Genome position (GRCh38, 1-based): chr3:47,846,990, C>T. VCF-style: chr3-47846990-C-T. GRCh37 (hg19) VCF-style: chr3-47888480-C-T.
Other names: c.1834C>T, p.Arg612Trp (NM_001330990.2); c.1801C>T, p.Arg601Trp (NM_014966.4); short protein forms R640W, R601W, R612W.
Identifiers: ClinVar variation 4978948 (VCV004978948.1).

ClinVar aggregate classification (germline): Uncertain significance (1 of 4 stars; one submission).

Conditions:
DHX30-related disorder. Also called: DHX30-related condition.

gnomAD v4.1: 1 of 1,610,912 alleles (0.000062%); highest among the groups gnomAD compares: Middle Eastern, 0.017%; no homozygotes.

Submission:

PreventionGenetics, part of Exact Sciences
Classification: Uncertain significance for DHX30-related condition. Last evaluated: 2025-07-02. Review status: criteria provided, single submitter. Criteria: ACMG Guidelines, 2015. Collection method: clinical testing. Allele origin: germline.
Comment: The DHX30 c.1918C>T variant is predicted to result in the amino acid substitution p.Arg640Trp. To our knowledge, this variant has not been reported in the literature or in a large population database (gnomAD), indicating this variant is rare. At this time, the clinical significance of this variant is uncertain due to the absence of conclusive functional and genetic evidence.